The following is an entry in ClinVar:

NM_001256789.3(CACNA1F):c.707C>T (p.Pro236Leu)

Gene: CACNA1F (calcium voltage-gated channel subunit alpha1 F; minus strand). Cytogenetic location: Xp11.23.
Variant type: single nucleotide variant.
Coding change: c.707C>T on transcript NM_001256789.3 (MANE Select); coding-DNA position 707, C replaced by T.
Protein change: p.Pro236Leu; replaces proline 236 with leucine.
Molecular consequence: missense variant.
Genome position (GRCh38, 1-based): chrX:49,230,330, G>A on the plus strand (C>T on the coding strand, the complement: CACNA1F is on the minus strand). VCF-style: chrX-49230330-G-A. GRCh37 (hg19) VCF-style: chrX-49086792-G-A.
Other names: c.512C>T, p.Pro171Leu (NM_001256790.3); c.707C>T, p.Pro236Leu (NM_005183.4); short protein forms P171L, P236L.
Identifiers: ClinVar variation 2812049 (VCV002812049.3), dbSNP rs2519137145, ClinGen allele CA412924777.

ClinVar aggregate classification (germline): Uncertain significance (1 of 4 stars; one submission).

Submission:

Labcorp Genetics (formerly Invitae), Labcorp
Classification: Uncertain significance. Last evaluated: 2023-05-23. Review status: criteria provided, single submitter. Criteria: Invitae Variant Classification Sherloc (09022015). Collection method: clinical testing. Allele origin: germline.
Comment: This variant is not present in population databases (gnomAD no frequency). In summary, the available evidence is currently insufficient to determine the role of this variant in disease. Therefore, it has been classified as a Variant of Uncertain Significance. Advanced modeling of protein sequence and biophysical properties (such as structural, functional, and spatial information, amino acid conservation, physicochemical variation, residue mobility, and thermodynamic stability) performed at Invitae indicates that this missense variant is expected to disrupt CACNA1F protein function. This variant has not been reported in the literature in individuals affected with CACNA1F-related conditions. This sequence change replaces proline, which is neutral and non-polar, with leucine, which is neutral and non-polar, at codon 236 of the CACNA1F protein (p.Pro236Leu).